The following is an entry in ClinVar:

NM_004082.5(DCTN1):c.3250C>T (p.Pro1084Ser)

Gene: DCTN1 (dynactin subunit 1; minus strand). Cytogenetic location: 2p13.1.
Variant type: single nucleotide variant.
Coding change: c.3250C>T on transcript NM_004082.5 (MANE Select); coding-DNA position 3250, C replaced by T.
Protein change: p.Pro1084Ser; replaces proline 1084 with serine.
Molecular consequence: missense variant. On other transcripts: non-coding transcript variant (1).
Genome position (GRCh38, 1-based): chr2:74,363,389, G>A on the plus strand (C>T on the coding strand, the complement: DCTN1 is on the minus strand). VCF-style: chr2-74363389-G-A. GRCh37 (hg19) VCF-style: chr2-74590516-G-A.
Other names: c.3175C>T, p.Pro1059Ser (NM_001135040.3); c.2833C>T, p.Pro945Ser (NM_001135041.3); c.3124C>T, p.Pro1042Ser (NM_001190836.2); c.3229C>T, p.Pro1077Ser (NM_001190837.2); c.3199C>T, p.Pro1067Ser (NM_001378991.1); c.3181C>T, p.Pro1061Ser (NM_001378992.1); c.2848C>T, p.Pro950Ser (NM_023019.4); short protein forms P1084S, P1042S, P950S, P1059S, P945S, P1077S, P1061S, P1067S.
Identifiers: ClinVar variation 196128 (VCV000196128.17), dbSNP rs201918007, ClinGen allele CA242965.

ClinVar aggregate classification (germline): Conflicting classifications of pathogenicity. Review status: criteria provided, conflicting classifications (1 of 4 stars). 5 submissions from 5 submitters: Uncertain significance (4); Likely benign (1). Last evaluated 2026-01-19.

Conditions:
DCTN1-related disorder. Also called: DCTN1-related condition.
Inborn genetic diseases. Identifiers: MedGen C0950123, MeSH D030342.
Amyotrophic lateral sclerosis type 1 (ALS1). Also called: AMYOTROPHIC LATERAL SCLEROSIS 1, FAMILIAL. Identifiers: Orphanet 803, MedGen C1862939, MONDO:0007103, OMIM 105400.
Perry syndrome. Also called: PARKINSONISM WITH ALVEOLAR HYPOVENTILATION AND MENTAL DEPRESSION. Identifiers: Orphanet 178509, MedGen C1868594, MONDO:0008201, OMIM 168605.
Neuronopathy, distal hereditary motor, type 7B. Also called: HMN VIIB; LOWER MOTOR NEURON DISEASE, DYNACTIN TYPE; Distal Hereditary Motor Neuronopathy Type 7B (dHMN7B); NEUROPATHY, DISTAL HEREDITARY MOTOR, HARDING TYPE VIIB; NEURONOPATHY, DISTAL HEREDITARY MOTOR, AUTOSOMAL DOMINANT 14; NEURONOPATHY, DISTAL HEREDITARY MOTOR, HARDING TYPE VIIB. Identifiers: Orphanet 139589, MedGen C1843315, MONDO:0011879, OMIM 607641.

Allele frequency attached by ClinVar (database versions not stated): gnomAD 0.00001; TOPMed 0.00004; gnomAD exomes 0.00006; ESP Exome Variant Server 0.00008.
gnomAD v4.1: 94 of 1,612,452 alleles (0.0058%); highest among the groups gnomAD compares: Non-Finnish European, 0.0077%; no homozygotes.

Submissions (5):

Labcorp Genetics (formerly Invitae), Labcorp
Classification: Uncertain significance for Amyotrophic lateral sclerosis type 1; Neuronopathy, distal hereditary motor, type 7B; Perry syndrome. Last evaluated: 2026-01-19. Review status: criteria provided, single submitter. Criteria: Invitae Variant Classification Sherloc (09022015). Collection method: clinical testing. Allele origin: germline.
Comment: This sequence change replaces proline, which is neutral and non-polar, with serine, which is neutral and polar, at codon 1084 of the DCTN1 protein (p.Pro1084Ser). This variant is present in population databases (rs201918007, gnomAD 0.007%). This variant has not been reported in the literature in individuals affected with DCTN1-related conditions. ClinVar contains an entry for this variant (Variation ID: 196128). Invitae Evidence Modeling of protein sequence and biophysical properties (such as structural, functional, and spatial information, amino acid conservation, physicochemical variation, residue mobility, and thermodynamic stability) indicates that this missense variant is not expected to disrupt DCTN1 protein function with a negative predictive value of 95%. In summary, the available evidence is currently insufficient to determine the role of this variant in disease. Therefore, it has been classified as a Variant of Uncertain Significance.

PreventionGenetics, part of Exact Sciences
Classification: Uncertain significance for DCTN1-related condition. Last evaluated: 2025-05-27. Review status: criteria provided, single submitter. Criteria: ACMG Guidelines, 2015. Collection method: clinical testing. Allele origin: germline.
Comment: The DCTN1 c.3250C>T variant is predicted to result in the amino acid substitution p.Pro1084Ser. This variant has been reported in an individual with behavioral variant frontotemporal dementia and presented with additional semantic deficits, without parkinsonism or motor neuron disease (Mol et al. 2020. PubMed ID: 32843152). This variant is reported in 0.0062% of alleles in individuals of European (non-Finnish) descent in gnomAD. At this time, the clinical significance of this variant is uncertain due to the absence of conclusive functional and genetic evidence.

Blueprint Genetics
Classification: Likely benign. Last evaluated: 2024-08-13. Review status: criteria provided, single submitter. Criteria: ACMG Guidelines, 2015. Collection method: clinical testing. Allele origin: germline.

Ambry Genetics
Classification: Uncertain significance for Inborn genetic diseases. Last evaluated: 2023-09-05. Review status: criteria provided, single submitter. Criteria: Ambry Variant Classification Scheme 2023. Collection method: clinical testing. Allele origin: germline.

Eurofins Ntd Llc (ga)
Classification: Uncertain significance. Last evaluated: 2015-03-02. Review status: criteria provided, single submitter. Criteria: EGL Classification Definitions 2015. Collection method: clinical testing. Allele origin: germline. Observed: 1 variant allele, 1 heterozygote.

Literature cited by the submitters: PubMed 32843152 (cited by Ambry Genetics).